The following is an entry in ClinVar:

ClinVar aggregate classification (germline): Uncertain significance. Review status: criteria provided, multiple submitters, no conflicts (2 of 4 stars). 4 submissions from 4 submitters: Uncertain significance (4). Last evaluated 2025-11-13.

Conditions:
Hereditary cancer-predisposing syndrome. Also called: Hereditary neoplastic syndrome; Neoplastic Syndromes, Hereditary; Tumor predisposition; Hereditary Cancer Syndrome. Identifiers: Orphanet 140162, MedGen C0027672, MeSH D009386, MONDO:0015356.
Familial cancer of breast. Also called: BREAST CANCER, FAMILIAL; Hereditary breast cancer; hereditary breast carcinoma. Identifiers: Orphanet 227535, MedGen C0346153, MONDO:0016419, OMIM 114480. Disease mechanism: loss of function.
Ataxia-telangiectasia syndrome (AT). Also called: LOUIS-BAR SYNDROME; Cerebello-oculocutaneous telangiectasia; Immunodeficiency with ataxia telangiectasia; AT, COMPLEMENTATION GROUP C; Ataxia-telangiectasia, complementation group D; ATAXIA-TELANGIECTASIA, COMPLEMENTATION GROUP A. Identifiers: Orphanet 100, MedGen C0004135, MONDO:0008840, OMIM 208900.

Allele frequency attached by ClinVar (database versions not stated): TOPMed 0.00001.
gnomAD v4.1: 1 of 1,613,674 alleles (0.000062%); highest among the groups gnomAD compares: Non-Finnish European, 0.000085%; no homozygotes.

Submissions (4):

Labcorp Genetics (formerly Invitae), Labcorp
Classification: Uncertain significance for Ataxia-telangiectasia syndrome. Last evaluated: 2025-11-13. Review status: criteria provided, single submitter. Criteria: Invitae Variant Classification Sherloc (09022015). Collection method: clinical testing. Allele origin: germline.
Comment: This sequence change replaces proline, which is neutral and non-polar, with serine, which is neutral and polar, at codon 1112 of the ATM protein (p.Pro1112Ser). This variant is not present in population databases (gnomAD no frequency). This missense change has been observed in individual(s) with clinical features of ATM-related conditions (PMID: 35171259). ClinVar contains an entry for this variant (Variation ID: 482600). Invitae Evidence Modeling of protein sequence and biophysical properties (such as structural, functional, and spatial information, amino acid conservation, physicochemical variation, residue mobility, and thermodynamic stability) indicates that this missense variant is not expected to disrupt ATM protein function with a negative predictive value of 95%. In summary, the available evidence is currently insufficient to determine the role of this variant in disease. Therefore, it has been classified as a Variant of Uncertain Significance.

Baylor Genetics
Classification: Uncertain significance for Familial cancer of breast. Last evaluated: 2023-06-21. Review status: criteria provided, single submitter. Criteria: ACMG Guidelines, 2015. Collection method: clinical testing. Allele origin: unknown.

Ambry Genetics
Classification: Uncertain significance for Hereditary cancer-predisposing syndrome. Last evaluated: 2022-05-23. Review status: criteria provided, single submitter. Criteria: Ambry Variant Classification Scheme 2023. Collection method: clinical testing. Allele origin: germline.
Comment: The p.P1112S variant (also known as c.3334C>T), located in coding exon 22 of the ATM gene, results from a C to T substitution at nucleotide position 3334. The proline at codon 1112 is replaced by serine, an amino acid with similar properties. This amino acid position is highly conserved in available vertebrate species. In addition, the in silico prediction for this alteration is inconclusive. Since supporting evidence is limited at this time, the clinical significance of this alteration remains unclear.

Color Diagnostics, LLC DBA Color Health
Classification: Uncertain significance for Hereditary cancer-predisposing syndrome. Last evaluated: 2021-11-23. Review status: criteria provided, single submitter. Criteria: ACMG Guidelines, 2015. Collection method: clinical testing. Allele origin: germline.
Comment: This missense variant replaces proline with serine at codon 1112 of the ATM protein. Computational prediction suggests that this variant may not impact protein structure and function (internally defined REVEL score threshold <= 0.5, PMID: 27666373). To our knowledge, functional studies have not been reported for this variant. This variant has not been reported in individuals affected with hereditary cancer in the literature. In a large international case-control study, this variant was reported in 0/60466 breast cancer cases and 2/53459 controls (OR=0.221, 95%CI 0.01 to 4.902, p-value=0.22; PMID: 33471991). This variant has not been identified in the general population by the Genome Aggregation Database (gnomAD). The available evidence is insufficient to determine the role of this variant in disease conclusively. Therefore, this variant is classified as a Variant of Uncertain Significance.

Literature cited by the submitters: PubMed 35171259 (cited by Labcorp Genetics (formerly Invitae), Labcorp).

NM_000051.4(ATM):c.3334C>T (p.Pro1112Ser)

Gene: ATM (ATM serine/threonine kinase; plus strand). Cytogenetic location: 11q22.3.
Variant type: single nucleotide variant.
Coding change: c.3334C>T on transcript NM_000051.4 (MANE Select); coding-DNA position 3334, C replaced by T.
Protein change: p.Pro1112Ser; replaces proline 1112 with serine.
Molecular consequence: missense variant.
Genome position (GRCh38, 1-based): chr11:108,279,540, C>T. VCF-style: chr11-108279540-C-T. GRCh37 (hg19) VCF-style: chr11-108150267-C-T.
Other names: c.3334C>T, p.Pro1112Ser (NM_001351834.2); short protein forms P1112S.
Identifiers: ClinVar variation 482600 (VCV000482600.21), dbSNP rs876658963, ClinGen allele CA382517570.
Genomic context (GRCh38, chr11:108,279,540, plus strand): 5'-CTTGTTTTAAGATTGTTCCAGGACACGAAGGGAGATTCTTCCAGGTTACTGAAAGCACTT[C>T]CTTTGAAGCTTCAGCAAACAGCTTTTGAAAATGCATACTTGAAAGCTCAGGAAGGAATGA-3'
Protein context (NP_000042.3, residues 1102-1122): GDSSRLLKAL[Pro1112Ser]LKLQQTAFEN